The following is an entry in ClinVar:

NM_001379500.1(COL18A1):c.1959+1G>A

Gene: COL18A1 (collagen type XVIII alpha 1 chain; plus strand). Cytogenetic location: 21q22.3.
Variant type: single nucleotide variant.
Coding change: c.1959+1G>A on transcript NM_001379500.1 (MANE Select); the canonical splice donor site of the intron after coding-DNA position 1959, G replaced by A.
Molecular consequence: splice donor variant.
Genome position (GRCh38, 1-based): chr21:45,489,522, G>A. VCF-style: chr21-45489522-G-A. GRCh37 (hg19) VCF-style: chr21-46909436-G-A.
Other names: c.3204+1G>A (NM_130444.3); c.2499+1G>A (NM_030582.4).
Identifiers: ClinVar variation 1482803 (VCV001482803.6), dbSNP rs2036225419, ClinGen allele CA410496680.

ClinVar aggregate classification (germline): Likely pathogenic (1 of 4 stars; one submission).

Allele frequency attached by ClinVar (database versions not stated): gnomAD 0.00001.

Submission:

Labcorp Genetics (formerly Invitae), Labcorp
Classification: Likely pathogenic. Last evaluated: 2024-05-27. Review status: criteria provided, single submitter. Criteria: Invitae Variant Classification Sherloc (09022015). Collection method: clinical testing. Allele origin: germline.
Comment: This sequence change affects a donor splice site in intron 19 of the COL18A1 gene. It is expected to disrupt RNA splicing. Variants that disrupt the donor or acceptor splice site typically lead to a loss of protein function (PMID: 16199547), and loss-of-function variants in COL18A1 are known to be pathogenic (PMID: 12415512, 25456301). This variant is not present in population databases (gnomAD no frequency). This variant has not been reported in the literature in individuals affected with COL18A1-related conditions. ClinVar contains an entry for this variant (Variation ID: 1482803). Algorithms developed to predict the effect of sequence changes on RNA splicing suggest that this variant may disrupt the consensus splice site. In summary, the currently available evidence indicates that the variant is pathogenic, but additional data are needed to prove that conclusively. Therefore, this variant has been classified as Likely Pathogenic.

Literature cited by the submitters: PubMed 16199547; PubMed 12415512; PubMed 25456301.